The following is an entry in ClinVar:

ClinVar aggregate classification (germline): Uncertain significance (1 of 4 stars; one submission).

Conditions:
Hereditary pheochromocytoma and paraganglioma. Also called: Hereditary pheochromocytoma-paraganglioma; Hereditary Paraganglioma-Pheochromocytoma Syndromes; Hereditary paragangliomas and pheochromocytomas. Identifiers: Orphanet 29072, MedGen C4274332, MONDO:0017366.

Submission:

All of Us Research Program, National Institutes of Health
Classification: Uncertain significance for Hereditary pheochromocytoma and paraganglioma. Last evaluated: 2023-06-08. Review status: criteria provided, single submitter. Criteria: ACMG Guidelines, 2015. Collection method: clinical testing. Allele origin: germline. Inheritance: Autosomal dominant inheritance. Observed: 1 variant allele, 1 heterozygote.
Comment: This missense variant replaces valine with alanine at codon 136 of the SDHAF2 protein. Computational prediction is inconclusive regarding the impact of this variant on protein structure and function (internally defined REVEL score threshold 0.5 < inconclusive < 0.7, PMID: 27666373). To our knowledge, functional studies have not been reported for this variant. This variant has not been reported in individuals affected with SDHAF2-related disorders in the literature. This variant has not been identified in the general population by the Genome Aggregation Database (gnomAD). The available evidence is insufficient to determine the role of this variant in disease conclusively. Therefore, this variant is classified as a Variant of Uncertain Significance.

This study involves interpretation of variants in research participants for the purpose of population health screening. Participant phenotype was not available at the time of variant classification. Additional details can be found in publication PMID: 35346344, PMCID: PMC8962531

NM_017841.4(SDHAF2):c.407T>C (p.Val136Ala)

Gene: SDHAF2 (succinate dehydrogenase complex assembly factor 2; plus strand). Cytogenetic location: 11q12.2.
Variant type: single nucleotide variant.
Coding change: c.407T>C on transcript NM_017841.4 (MANE Select); coding-DNA position 407, T replaced by C.
Protein change: p.Val136Ala; replaces valine 136 with alanine.
Molecular consequence: missense variant.
Genome position (GRCh38, 1-based): chr11:61,445,977, T>C. VCF-style: chr11-61445977-T-C. GRCh37 (hg19) VCF-style: chr11-61213449-T-C.
Other names: short protein forms V136A.
Identifiers: ClinVar variation 3071512 (VCV003071512.1), dbSNP rs2540133030, ClinGen allele CA380685320.
Genomic context (GRCh38, chr11:61,445,977, plus strand): 5'-TTTCTGCCCACTCTTCTCTTGCAGAAGCTAAACCAGCCCCAGAAATATTTGAAAATGAAG[T>C]CATGGCCCTGCTGAGAGACTTTGCTAAAAACAAAAACAAAGAGCAGAGACTGCGTGCCCC-3'
Protein context (NP_060311.1, residues 126-146): KPAPEIFENE[Val136Ala]MALLRDFAKN